The following is an entry in ClinVar:

ClinVar aggregate classification (germline): Uncertain significance. Review status: criteria provided, single submitter (1 of 4 stars). 3 submissions from 3 submitters: Uncertain significance (1). 2 of the submissions do not count toward it. Last evaluated 2022-10-17.

Conditions:
Autosomal recessive polycystic kidney disease (ARPKD). Also called: AR polycystic kidney disease. Identifiers: Orphanet 731, Orphanet 8378, MedGen C0085548, MeSH D017044, MONDO:0009889.
PKHD1-related disorder. Also called: PKHD1-related condition.

Allele frequency attached by ClinVar (database versions not stated): gnomAD below 0.00001 and 0.00001; ExAC 0.00001; gnomAD exomes 0.00001; TOPMed 0.00001.
gnomAD v4.1: 14 of 1,613,788 alleles (0.00087%); highest among the groups gnomAD compares: South Asian, 0.013%; no homozygotes.

Submissions (3):

Labcorp Genetics (formerly Invitae), Labcorp
Classification: Uncertain significance for Autosomal recessive polycystic kidney disease. Last evaluated: 2022-10-17. Review status: criteria provided, single submitter. Criteria: Invitae Variant Classification Sherloc (09022015). Collection method: clinical testing. Allele origin: germline.
Comment: This sequence change replaces valine, which is neutral and non-polar, with phenylalanine, which is neutral and non-polar, at codon 3955 of the PKHD1 protein (p.Val3955Phe). This variant is present in population databases (rs769223833, gnomAD 0.007%). This variant has not been reported in the literature in individuals affected with PKHD1-related conditions. ClinVar contains an entry for this variant (Variation ID: 528294). Advanced modeling of protein sequence and biophysical properties (such as structural, functional, and spatial information, amino acid conservation, physicochemical variation, residue mobility, and thermodynamic stability) performed at Invitae indicates that this missense variant is not expected to disrupt PKHD1 protein function. In summary, the available evidence is currently insufficient to determine the role of this variant in disease. Therefore, it has been classified as a Variant of Uncertain Significance.

PreventionGenetics, part of Exact Sciences
Classification: Uncertain significance for PKHD1-related condition. Last evaluated: 2024-05-01. Review status: no assertion criteria provided. Collection method: clinical testing. Allele origin: germline. Not counted in ClinVar's aggregate classification.
Comment: The PKHD1 c.11863G>T variant is predicted to result in the amino acid substitution p.Val3955Phe. To our knowledge, this variant has not been reported in the literature. This variant is reported in 0.0065% of alleles in individuals of South Asian descent in gnomAD. At this time, the clinical significance of this variant is uncertain due to the absence of conclusive functional and genetic evidence.

Natera, Inc.
Classification: Uncertain significance for Autosomal recessive polycystic kidney disease. Last evaluated: 2020-02-25. Review status: no assertion criteria provided. Collection method: clinical testing. Allele origin: germline. Not counted in ClinVar's aggregate classification.

NM_138694.4(PKHD1):c.11863G>T (p.Val3955Phe)

Gene: PKHD1 (PKHD1 ciliary IPT domain containing fibrocystin/polyductin; minus strand). Cytogenetic location: 6p12.3.
Variant type: single nucleotide variant.
Coding change: c.11863G>T on transcript NM_138694.4 (MANE Select); coding-DNA position 11863, G replaced by T.
Protein change: p.Val3955Phe; replaces valine 3955 with phenylalanine.
Molecular consequence: missense variant.
Genome position (GRCh38, 1-based): chr6:51,619,443, C>A on the plus strand (G>T on the coding strand, the complement: PKHD1 is on the minus strand). VCF-style: chr6-51619443-C-A. GRCh37 (hg19) VCF-style: chr6-51484241-C-A.
Other names: short protein forms V3955F.
Identifiers: ClinVar variation 528294 (VCV000528294.9), dbSNP rs769223833, ClinGen allele CA3850672.
Genomic context (GRCh38, chr6:51,619,443, plus strand): 5'-TGCCAGTAGTACCAGGAGCAGGCACAGCAGCCTCTTCCTCTCGGACAATGTGGCGGCTAA[C>A]TTTCCTTCTGGACACTCCATTCATCAACTGGTGGGGGCACTGGTTCACCTTGCCCAGCAT-3'
Protein context (NP_619639.3, residues 3945-3965): QLMNGVSRRK[Val3955Phe]SRHIVREEEA